The following is an entry in ClinVar:

ClinVar aggregate classification (germline): Pathogenic (1 of 4 stars; one submission).

Submission:

Labcorp Genetics (formerly Invitae), Labcorp
Classification: Pathogenic. Last evaluated: 2024-08-05. Review status: criteria provided, single submitter. Criteria: Invitae Variant Classification Sherloc (09022015). Collection method: clinical testing. Allele origin: germline.
Comment: This sequence change creates a premature translational stop signal (p.Val4171*) in the USH2A gene. It is expected to result in an absent or disrupted protein product. Loss-of-function variants in USH2A are known to be pathogenic (PMID: 10729113, 10909849, 20507924, 25649381). This variant is not present in population databases (gnomAD no frequency). This variant has not been reported in the literature in individuals affected with USH2A-related conditions. For these reasons, this variant has been classified as Pathogenic.

Literature cited by the submitters: PubMed 10729113; PubMed 10909849; PubMed 20507924; PubMed 25649381.

NM_206933.4(USH2A):c.12510_12516del (p.Ser4170_Val4171insTer)

Gene: USH2A (usherin; minus strand). Cytogenetic location: 1q41.
Variant type: Deletion.
Coding change: c.12510_12516del on transcript NM_206933.4 (MANE Select); coding-DNA positions 12510 to 12516, 7 bases deleted (TGTTGAG; older notation c.12510_12516delTGTTGAG).
Protein change: p.Ser4170_Val4171insTer.
Molecular consequence: frameshift variant.
Genome position (GRCh38, 1-based): chr1:215,675,395-215,675,401, CTCAACA deleted on the plus strand (TGTTGAG on the coding strand, the reverse complement: USH2A is on the minus strand); deleting any 7 consecutive bases within chr1:215,675,395-215,675,403 gives the same sequence; the c. name uses the placement nearest the transcript's 3' end. VCF-style (leftmost placement, unchanged base first): chr1-215675394-GCTCAACA-G. GRCh37 (hg19) VCF-style: chr1-215848736-GCTCAACA-G.
Identifiers: ClinVar variation 3661485 (VCV003661485.2).